The following is an entry in ClinVar:

NM_000059.4(BRCA2):c.1921TCT[1] (p.Ser642del)

Gene: BRCA2 (BRCA2 DNA repair associated; plus strand). Cytogenetic location: 13q13.1.
Variant type: Microsatellite.
Coding change: c.1921TCT[1] on transcript NM_000059.4 (MANE Select); one copy of the 3-base unit TCT starting at c.1921; the reference has two copies in a row; one copy, 3 bases deleted.
Protein change: p.Ser642del; deletes serine 642.
Molecular consequence: inframe deletion. On other transcripts: inframe indel (2).
Genome position (GRCh38, 1-based): chr13:32,336,279-32,336,281, TCT deleted; deleting any 3 consecutive bases within chr13:32,336,275-32,336,281 gives the same sequence; the position shown is the placement nearest the transcript's 3' end. VCF-style (leftmost placement, unchanged base first): chr13-32336274-ATTC-A. GRCh37 (hg19) VCF-style: chr13-32910411-ATTC-A.
Other names: c.1921_1923TCT[1], p.Ser642del (NM_001406719.1, NM_001406720.1); short protein forms S642del.
Identifiers: ClinVar variation 2021391 (VCV002021391.4), dbSNP rs2548522772, ClinGen allele CA2580614663.

ClinVar aggregate classification (germline): Uncertain significance (1 of 4 stars; one submission).

Conditions:
Hereditary breast ovarian cancer syndrome. Also called: Breast and ovarian cancer; BRCA1- and BRCA2-Associated Hereditary Breast and Ovarian Cancer; Hereditary breast and ovarian cancer; Hereditary breast and ovarian cancer syndrome (HBOC); Hereditary breast and ovarian cancer syndrome; Hereditary breast and/or ovarian cancer syndrome. Identifiers: Orphanet 145, MedGen C0677776, MeSH D061325, MONDO:0003582. Disease mechanism: loss of function.

Submission:

Labcorp Genetics (formerly Invitae), Labcorp
Classification: Uncertain significance for Hereditary breast ovarian cancer syndrome. Last evaluated: 2022-08-03. Review status: criteria provided, single submitter. Criteria: Invitae Variant Classification Sherloc (09022015). Collection method: clinical testing. Allele origin: germline.
Comment: This variant is not present in population databases (gnomAD no frequency). This variant has not been reported in the literature in individuals affected with BRCA2-related conditions. Experimental studies and prediction algorithms are not available or were not evaluated, and the functional significance of this variant is currently unknown. In summary, the available evidence is currently insufficient to determine the role of this variant in disease. Therefore, it has been classified as a Variant of Uncertain Significance. This variant, c.1924_1926del, results in the deletion of 1 amino acid(s) of the BRCA2 protein (p.Ser642del), but otherwise preserves the integrity of the reading frame.